The following is an entry in ClinVar:

NM_000261.2(MYOC):c.1345G>A (p.Val449Ile)

Gene: MYOC (myocilin; minus strand). Cytogenetic location: 1q24.3.
Variant type: single nucleotide variant.
Coding change: c.1345G>A on transcript NM_000261.2 (MANE Select); coding-DNA position 1345, G replaced by A.
Protein change: p.Val449Ile; replaces valine 449 with isoleucine.
Molecular consequence: missense variant.
Genome position (GRCh38, 1-based): chr1:171,636,095, C>T on the plus strand (G>A on the coding strand, the complement: MYOC is on the minus strand). VCF-style: chr1-171636095-C-T. GRCh37 (hg19) VCF-style: chr1-171605235-C-T.
Other names: NM_000261.2(MYOC):c.1345G>A; p.Val449Ile; short protein forms V449I.
Identifiers: ClinVar variation 875033 (VCV000875033.6), dbSNP rs572512491, ClinGen allele CA1244035.

ClinVar aggregate classification (germline): Likely benign. Review status: reviewed by expert panel (3 of 4 stars). 3 submissions from 2 submitters: Likely benign (1). 2 of the submissions do not count toward it. Last evaluated 2026-02-18.

Conditions:
Open-angle glaucoma. Identifiers: MedGen C0017612, MONDO:0005338, HP:0012108.
Glaucoma. Identifiers: MedGen C0017601, MONDO:0005041, HP:0000501.
Glaucoma 1, open angle, A (GLC1A). Also called: Glaucoma, Dominant (Juvenile Onset). Identifiers: Orphanet 98977, MedGen C1842028, MONDO:0007664, OMIM 137750.

Allele frequency attached by ClinVar (database versions not stated): gnomAD 0.00002 and 0.00003; gnomAD exomes 0.00004 and 0.00006; 1000 Genomes Project 30x 0.00016; 1000 Genomes Project 0.00020; ExAC 0.00009; TOPMed 0.00001.
gnomAD v4.1: 55 of 1,614,136 alleles (0.0034%); highest among the groups gnomAD compares: South Asian, 0.034%; 1 homozygote.

Submissions (3):

ClinGen Glaucoma Variant Curation Expert Panel
Classification: Likely benign for Open-angle glaucoma. Last evaluated: 2026-02-18. Review status: reviewed by expert panel. Criteria: ClinGen Glaucoma ACMG Specifications V2.0.0 Approved. Collection method: curation. Allele origin: germline. Inheritance: Autosomal dominant inheritance.
Comment: The c.1345G>A variant in MYOC is a missense variant predicted to cause substitution of Valine by Isoleucine at amino acid 449 (p.Val449Ile). The highest minor allele frequency of this variant was in the South Asian genetic ancestry group of gnomAD (v4.1.0) = 0.0003403 (31 alleles out of 91,086), which did not meet the PM2_Supporting allele frequency threshold (≤ 0.0001) or the BS1 allele frequency threshold (≥ 0.001). The REVEL score = 0.181, which was within the 0.017-0.183 range for BP4_Moderate, suggesting that the variant does not impact MYOC function. The Val449Ile protein was assessed in an assay (PMID: 36579626), however, the results of this study were inconsistent and functional evidence was not included. This variant has not yet been identified in a proband with juvenile or primary open angle glaucoma, only in a participant of the control cohort. Additionally, as PM2_Supporting was not met, PS4 did not apply. In summary, this variant met the criteria to receive a score of -2 and to be classified as likely benign (likely benign classification range -2 to -6, adapted from PMID: 32720330) for primary open angle glaucoma based on the ACMG/AMP criteria met, as specified by the ClinGen Glaucoma VCEP (v2.0.0, 5 Dec 2024): BP4_Moderate.

Illumina Laboratory Services, Illumina
Classification: Uncertain significance for Glaucoma. Last evaluated: 2017-04-28. Review status: criteria provided, single submitter. Criteria: ICSL Variant Classification Criteria 13 December 2019. Collection method: clinical testing. Allele origin: germline. Not counted in ClinVar's aggregate classification.

Illumina Laboratory Services, Illumina
Classification: Uncertain significance for Glaucoma 1, open angle, A. Last evaluated: 2017-04-28. Review status: criteria provided, single submitter. Criteria: ICSL Variant Classification Criteria 13 December 2019. Collection method: clinical testing. Allele origin: germline. Not counted in ClinVar's aggregate classification.